The following is an entry in ClinVar:

ClinVar aggregate classification (germline): Uncertain significance (1 of 4 stars; one submission).

gnomAD v4.1: 7 of 1,606,614 alleles (0.00044%); highest among the groups gnomAD compares: East Asian, 0.0067%; no homozygotes.

Submission:

Ambry Genetics
Classification: Uncertain significance. Last evaluated: 2025-09-25. Review status: criteria provided, single submitter. Criteria: Ambry Variant Classification Scheme 2023. Collection method: clinical testing. Allele origin: germline.
Comment: The c.2069C>T (p.P690L) alteration is located in exon 15 (coding exon 15) of the KIRREL2 gene. This alteration results from a C to T substitution at nucleotide position 2069, causing the proline (P) at amino acid position 690 to be replaced by a leucine (L). Based on data from gnomAD, the T allele has an overall frequency of <0.001% (1/251188) total alleles studied. The highest observed frequency was 0.003% (1/34540) of Latino alleles. Based on insufficient or conflicting evidence, the clinical significance of this alteration remains unclear.

NM_199180.4(KIRREL2):c.2069C>T (p.Pro690Leu)

Gene: KIRREL2 (kirre like nephrin family adhesion molecule 2; plus strand). Cytogenetic location: 19q13.12.
Variant type: single nucleotide variant.
Coding change: c.2069C>T on transcript NM_199180.4 (MANE Select); coding-DNA position 2069, C replaced by T.
Protein change: p.Pro690Leu; replaces proline 690 with leucine.
Molecular consequence: missense variant. On other transcripts: intron variant (2).
Genome position (GRCh38, 1-based): chr19:35,866,434, C>T. VCF-style: chr19-35866434-C-T. GRCh37 (hg19) VCF-style: chr19-36357336-C-T.
Other names: c.1919C>T, p.Pro640Leu (NM_001329530.2); c.1964C>T, p.Pro655Leu (NM_001363667.2); c.1831-31C>T (NM_032123.7); c.1681-31C>T (NM_199179.4); short protein forms P640L, P690L, P655L.
Identifiers: ClinVar variation 4544148 (VCV004544148.1).